The following is an entry in ClinVar:

ClinVar aggregate classification (germline): Likely benign. Review status: criteria provided, single submitter (1 of 4 stars). 2 submissions from 2 submitters: Likely benign (1). 1 of the submissions does not count toward it. Last evaluated 2025-08-11.

Conditions:
MED13L-related disorder. Also called: MED13L-related condition.
Dextro-looped transposition of the great arteries. Also called: Dextrotransposition of the great arteries. Identifiers: Orphanet 860, MedGen C3531771, MONDO:0019443, OMIM 608808, HP:0031348.

Allele frequency attached by ClinVar (database versions not stated): gnomAD 0.00002; gnomAD exomes 0.00002; ExAC 0.00004; TOPMed 0.00005.
gnomAD v4.1: 31 of 1,614,004 alleles (0.0019%); highest among the groups gnomAD compares: Admixed American, 0.035%; no homozygotes.

Submissions (2):

Labcorp Genetics (formerly Invitae), Labcorp
Classification: Likely benign for Dextro-looped transposition of the great arteries. Last evaluated: 2025-08-11. Review status: criteria provided, single submitter. Criteria: Invitae Variant Classification Sherloc (09022015). Collection method: clinical testing. Allele origin: germline.

PreventionGenetics, part of Exact Sciences
Classification: Likely benign for MED13L-related condition. Last evaluated: 2021-01-05. Review status: no assertion criteria provided. Collection method: clinical testing. Allele origin: germline. Not counted in ClinVar's aggregate classification.
Comment: This variant is classified as likely benign based on ACMG/AMP sequence variant interpretation guidelines (Richards et al. 2015 PMID: 25741868, with internal and published modifications).

NM_015335.5(MED13L):c.5540A>G (p.His1847Arg)

Gene: MED13L (mediator complex subunit 13L; minus strand). Cytogenetic location: 12q24.21.
Variant type: single nucleotide variant.
Coding change: c.5540A>G on transcript NM_015335.5 (MANE Select); coding-DNA position 5540, A replaced by G.
Protein change: p.His1847Arg; replaces histidine 1847 with arginine.
Molecular consequence: missense variant.
Genome position (GRCh38, 1-based): chr12:115,975,563, T>C on the plus strand (A>G on the coding strand, the complement: MED13L is on the minus strand). VCF-style: chr12-115975563-T-C. GRCh37 (hg19) VCF-style: chr12-116413368-T-C.
Other names: c.5540A>G (NM_015335.4); short protein forms H1847R.
Identifiers: ClinVar variation 2712012 (VCV002712012.5), dbSNP rs755985478, ClinGen allele CA6810572.